The following is an entry in ClinVar:

NM_022124.6(CDH23):c.4747G>T (p.Gly1583Cys)

Gene: CDH23 (cadherin related 23; plus strand). Cytogenetic location: 10q22.1.
Variant type: single nucleotide variant.
Coding change: c.4747G>T on transcript NM_022124.6 (MANE Select); coding-DNA position 4747, G replaced by T.
Protein change: p.Gly1583Cys; replaces glycine 1583 with cysteine.
Molecular consequence: missense variant.
Genome position (GRCh38, 1-based): chr10:71,741,823, G>T. VCF-style: chr10-71741823-G-T. GRCh37 (hg19) VCF-style: chr10-73501580-G-T.
Other names: short protein forms G1583C.
Identifiers: ClinVar variation 934509 (VCV000934509.12), dbSNP rs775013186, ClinGen allele CA5545139.

ClinVar aggregate classification (germline): Uncertain significance. Review status: criteria provided, multiple submitters, no conflicts (2 of 4 stars). 5 submissions from 5 submitters: Uncertain significance (5). Last evaluated 2024-08-19.

Conditions:
Autosomal recessive nonsyndromic hearing loss 12. Also called: DEAFNESS, AUTOSOMAL RECESSIVE 12. Identifiers: Orphanet 90636, MedGen C1832394, MONDO:0011067, OMIM 601386.
Inborn genetic diseases. Identifiers: MedGen C0950123, MeSH D030342.

gnomAD v4.1: 5 of 1,611,822 alleles (0.00031%); highest among the groups gnomAD compares: Admixed American, 0.0084%; no homozygotes.

Submissions (5):

Labcorp Genetics (formerly Invitae), Labcorp
Classification: Uncertain significance. Last evaluated: 2024-08-19. Review status: criteria provided, single submitter. Criteria: Invitae Variant Classification Sherloc (09022015). Collection method: clinical testing. Allele origin: germline.
Comment: This sequence change replaces glycine, which is neutral and non-polar, with cysteine, which is neutral and slightly polar, at codon 1583 of the CDH23 protein (p.Gly1583Cys). The frequency data for this variant in the population databases is considered unreliable, as metrics indicate poor data quality at this position in the gnomAD database. This variant has not been reported in the literature in individuals affected with CDH23-related conditions. ClinVar contains an entry for this variant (Variation ID: 934509). Invitae Evidence Modeling of protein sequence and biophysical properties (such as structural, functional, and spatial information, amino acid conservation, physicochemical variation, residue mobility, and thermodynamic stability) has been performed for this missense variant. However, the output from this modeling did not meet the statistical confidence thresholds required to predict the impact of this variant on CDH23 protein function. In summary, the available evidence is currently insufficient to determine the role of this variant in disease. Therefore, it has been classified as a Variant of Uncertain Significance.

GeneDx
Classification: Uncertain significance. Last evaluated: 2022-06-27. Review status: criteria provided, single submitter. Criteria: GeneDx Variant Classification Process June 2021. Collection method: clinical testing. Allele origin: germline. Affected: yes.
Comment: In silico analysis supports that this missense variant has a deleterious effect on protein structure/function; Has not been previously published as pathogenic or benign to our knowledge

Ambry Genetics
Classification: Uncertain significance for Inborn genetic diseases. Last evaluated: 2022-01-04. Review status: criteria provided, single submitter. Criteria: Ambry Variant Classification Scheme 2023. Collection method: clinical testing. Allele origin: germline.

Blueprint Genetics
Classification: Uncertain significance. Last evaluated: 2021-03-03. Review status: criteria provided, single submitter. Criteria: ACMG Guidelines, 2015. Collection method: clinical testing. Allele origin: germline.

Baylor Genetics
Classification: Uncertain significance for Autosomal recessive nonsyndromic hearing loss 12. Last evaluated: 2019-05-10. Review status: criteria provided, single submitter. Criteria: ACMG Guidelines, 2015. Collection method: clinical testing. Allele origin: unknown. Affected: yes.
Comment: This variant was determined to be of uncertain significance according to ACMG Guidelines, 2015 [PMID:25741868].